The following is an entry in ClinVar:

ClinVar aggregate classification (germline): Uncertain significance (1 of 4 stars; one submission).

Conditions:
Idiopathic generalized epilepsy. Also called: Generalised epilepsy; EIG. Identifiers: MedGen C0270850, MONDO:0005579, OMIM 600669.

Allele frequency attached by ClinVar (database versions not stated): gnomAD exomes 0.00001.
gnomAD v4.1: 8 of 1,547,566 alleles (0.00052%); highest among the groups gnomAD compares: Non-Finnish European, 0.0007%; no homozygotes.

Submission:

Labcorp Genetics (formerly Invitae), Labcorp
Classification: Uncertain significance for Idiopathic generalized epilepsy. Last evaluated: 2020-08-06. Review status: criteria provided, single submitter. Criteria: Invitae Variant Classification Sherloc (09022015). Collection method: clinical testing. Allele origin: germline.
Comment: In summary, the available evidence is currently insufficient to determine the role of this variant in disease. Therefore, it has been classified as a Variant of Uncertain Significance. Algorithms developed to predict the effect of missense changes on protein structure and function (SIFT, PolyPhen-2, Align-GVGD) all suggest that this variant is likely to be tolerated, but these predictions have not been confirmed by published functional studies and their clinical significance is uncertain. This variant has not been reported in the literature in individuals with RBFOX3-related conditions. The frequency data for this variant in the population databases is considered unreliable, as metrics indicate insufficient coverage at this position in the ExAC database. This sequence change replaces tyrosine with phenylalanine at codon 222 of the RBFOX3 protein (p.Tyr222Phe). The tyrosine residue is moderately conserved and there is a small physicochemical difference between tyrosine and phenylalanine.

NM_001350451.2(RBFOX3):c.665A>T (p.Tyr222Phe)

Gene: RBFOX3 (RNA binding fox-1 homolog 3; minus strand). Cytogenetic location: 17q25.3.
Variant type: single nucleotide variant.
Coding change: c.665A>T on transcript NM_001350451.2 (MANE Select); coding-DNA position 665, A replaced by T.
Protein change: p.Tyr222Phe; replaces tyrosine 222 with phenylalanine.
Molecular consequence: missense variant.
Genome position (GRCh38, 1-based): chr17:79,097,382, T>A on the plus strand (A>T on the coding strand, the complement: RBFOX3 is on the minus strand). VCF-style: chr17-79097382-T-A. GRCh37 (hg19) VCF-style: chr17-77093464-T-A.
Other names: c.665A>T, p.Tyr222Phe (NM_001082575.3, NM_001350453.2, NM_001385804.1 and 33 more transcripts); c.662A>T, p.Tyr221Phe (NM_001385806.1, NM_001385822.1, NM_001385823.1 and 4 more transcripts); c.572A>T, p.Tyr191Phe (NM_001385824.1); c.686A>T, p.Tyr229Phe (NM_001385827.1); c.518A>T, p.Tyr173Phe (NM_001385847.1); short protein forms Y229F, Y173F, Y222F, Y191F, Y221F.
Identifiers: ClinVar variation 1046078 (VCV001046078.8), dbSNP rs1568119836, ClinGen allele CA401316532.